The following is an entry in ClinVar:

NM_000090.4(COL3A1):c.4136T>C (p.Met1379Thr)

Gene: COL3A1 (collagen type III alpha 1 chain; plus strand). Cytogenetic location: 2q32.2.
Variant type: single nucleotide variant.
Coding change: c.4136T>C on transcript NM_000090.4 (MANE Select); coding-DNA position 4136, T replaced by C.
Protein change: p.Met1379Thr; replaces methionine 1379 with threonine.
Molecular consequence: missense variant.
Genome position (GRCh38, 1-based): chr2:189,010,772, T>C. VCF-style: chr2-189010772-T-C. GRCh37 (hg19) VCF-style: chr2-189875498-T-C.
Other names: p.Met1379Thr; short protein forms M1379T.
Identifiers: ClinVar variation 3379399 (VCV003379399.1).

ClinVar aggregate classification (germline): Uncertain significance (1 of 4 stars; one submission).

Submission:

Mayo Clinic Laboratories, Mayo Clinic
Classification: Uncertain significance. Last evaluated: 2024-05-22. Review status: criteria provided, single submitter. Criteria: ACMG Guidelines, 2015. Collection method: clinical testing. Allele origin: germline. Observed: 1 variant allele.
Comment: PP2, PM2